The following is an entry in ClinVar:

ClinVar aggregate classification (germline): Uncertain significance (1 of 4 stars; one submission).

Conditions:
RYR1-related disorder. Also called: RYR1-related disorders; RYR1-related condition. Identifiers: MedGen CN239331.

Submission:

Labcorp Genetics (formerly Invitae), Labcorp
Classification: Uncertain significance for RYR1-related disorder. Last evaluated: 2023-07-21. Review status: criteria provided, single submitter. Criteria: Invitae Variant Classification Sherloc (09022015). Collection method: clinical testing. Allele origin: unknown.
Comment: In summary, the available evidence is currently insufficient to determine the role of this variant in disease. Therefore, it has been classified as a Variant of Uncertain Significance. This variant disrupts a region of the RYR1 protein in which other variant(s) (p.Glu4502Gly) have been observed in individuals with RYR1-related conditions (Invitae). This suggests that this is a clinically significant region of the protein, and that variants that disrupt it are likely to be disease-causing. This variant has not been reported in the literature in individuals affected with RYR1-related conditions. This variant is a gross deletion of the genomic region encompassing exon(s) 92-93 of the RYR1 gene. This variant would be expected to be in-frame, preserving the integrity of the reading frame.

NC_000019.9:g.(?_39057531)_(39058577_?)del

Gene: RYR1 (ryanodine receptor 1; plus strand). Cytogenetic location: 19q13.2.
Variant type: Deletion.
Identifiers: ClinVar variation 3242618 (VCV003242618.1).